The following is an entry in ClinVar:

NM_000395.3(CSF2RB):c.2099G>C (p.Gly700Ala)

Gene: CSF2RB (colony stimulating factor 2 receptor subunit beta; plus strand). Cytogenetic location: 22q12.3.
Variant type: single nucleotide variant.
Coding change: c.2099G>C on transcript NM_000395.3 (MANE Select); coding-DNA position 2099, G replaced by C.
Protein change: p.Gly700Ala; replaces glycine 700 with alanine.
Molecular consequence: missense variant.
Genome position (GRCh38, 1-based): chr22:36,937,907, G>C. VCF-style: chr22-36937907-G-C. GRCh37 (hg19) VCF-style: chr22-37333949-G-C.
Other names: short protein forms G700A.
Identifiers: ClinVar variation 1442755 (VCV001442755.8), dbSNP rs974700177, ClinGen allele CA324004823.

ClinVar aggregate classification (germline): Uncertain significance (1 of 4 stars; one submission).

Allele frequency attached by ClinVar (database versions not stated): TOPMed below 0.00001.
gnomAD v4.1: 15 of 1,614,028 alleles (0.00093%); highest among the groups gnomAD compares: Non-Finnish European, 0.0012%; no homozygotes.

Submission:

Labcorp Genetics (formerly Invitae), Labcorp
Classification: Uncertain significance. Last evaluated: 2025-04-20. Review status: criteria provided, single submitter. Criteria: Invitae Variant Classification Sherloc (09022015). Collection method: clinical testing. Allele origin: germline.
Comment: This sequence change replaces glycine, which is neutral and non-polar, with alanine, which is neutral and non-polar, at codon 700 of the CSF2RB protein (p.Gly700Ala). This variant is not present in population databases (gnomAD no frequency). This variant has not been reported in the literature in individuals affected with CSF2RB-related conditions. ClinVar contains an entry for this variant (Variation ID: 1442755). Invitae Evidence Modeling of protein sequence and biophysical properties (such as structural, functional, and spatial information, amino acid conservation, physicochemical variation, residue mobility, and thermodynamic stability) indicates that this missense variant is not expected to disrupt CSF2RB protein function with a negative predictive value of 80%. In summary, the available evidence is currently insufficient to determine the role of this variant in disease. Therefore, it has been classified as a Variant of Uncertain Significance.